The following is an entry in ClinVar:

NM_033380.3(COL4A5):c.4528+2T>C

Gene: COL4A5 (collagen type IV alpha 5 chain; plus strand). Cytogenetic location: Xq22.3.
Variant type: single nucleotide variant.
Coding change: c.4528+2T>C on transcript NM_033380.3 (MANE Select); the canonical splice donor site of the intron after coding-DNA position 4528, T replaced by C.
Molecular consequence: splice donor variant.
Genome position (GRCh38, 1-based): chrX:108,687,696, T>C. VCF-style: chrX-108687696-T-C. GRCh37 (hg19) VCF-style: chrX-107930926-T-C.
Other names: c.4510+2T>C (NM_000495.4, NM_000495.5).
Identifiers: ClinVar variation 1068943 (VCV001068943.10), dbSNP rs2147991737, ClinGen allele CA413854840.
Genomic context (GRCh38, chrX:108,687,696, plus strand): 5'-TGAAGGCTTTTCTCTCCTGTATGTACAAGGAAATAAAAGAGCCCACGGTCAAGACTTGGG[T>C]GAGATAATCAATATCTAATTTCCTACTGTGCCTTTTGTTTTTGTTTCAGAAATCCTGTTG-3'

ClinVar aggregate classification (germline): Pathogenic/Likely pathogenic. Review status: criteria provided, multiple submitters, no conflicts (2 of 4 stars). 3 submissions from 3 submitters: Pathogenic (1); Likely pathogenic (2). Last evaluated 2025-12-09.

Conditions:
X-linked Alport syndrome (ATS1). Also called: NEPHROPATHY AND DEAFNESS, X-LINKED; COL4A5-Related Nephropathy. Identifiers: Orphanet 63, Orphanet 88917, MedGen C4746986, MONDO:0010520, OMIM 301050.

Submissions (3):

Genetic Services Laboratory, University of Chicago
Classification: Likely pathogenic. Last evaluated: 2025-12-09. Review status: criteria provided, single submitter. Criteria: ACMG Guidelines, 2015. Collection method: clinical testing. Allele origin: germline.
Comment: The c.4510+2T>C variant: Is located near the canonical splice donor site in intron 47. Does not appear to have been previously described in individuals with COL4A5-related disorders. Has not been described in population databases such as gnomAD v4. Is predicted to have a likely impact on normal splicing of the COL4A5 gene by in-silico splice prediction programs, which would result in an abnormal protein, however functional studies have not been performed to prove this conclusively. While this sequence change has not been described in the literature, other loss-of-function variants in COL4A5 have been described in individuals with COL4A5-related disorders (PMID: 9195222, 10752524, 14514738, 24854265, 26809805). While there have been no functional assays evaluating the impact of this sequence change, functional assays on another sequence change in the intron 47 acceptor site have demonstrated a disruption in splicing of the COL4A5 gene (PMID: 7485125). ClinVar contains an entry for this variant (Variation ID: 1068943). Collectively, this evidence indicates that this variant is likely pathogenic.

Fulgent Genetics
Classification: Likely pathogenic for X-linked Alport syndrome. Last evaluated: 2024-02-05. Review status: criteria provided, single submitter. Criteria: ACMG Guidelines, 2015. Collection method: clinical testing. Allele origin: germline.

Labcorp Genetics (formerly Invitae), Labcorp
Classification: Pathogenic. Last evaluated: 2020-02-14. Review status: criteria provided, single submitter. Criteria: Invitae Variant Classification Sherloc (09022015). Collection method: clinical testing. Allele origin: germline.
Comment: This sequence change affects a donor splice site in intron 47 of the COL4A5 gene. It is expected to disrupt RNA splicing and likely results in an absent or disrupted protein product. This variant is not present in population databases (ExAC no frequency). Disruption of this splice site has been observed in individual(s) with X-linked Alport syndrome (PMID: 7485125, 26809805). It has also been observed to segregate with disease in related individuals. Experimental studies have shown that disruption of this splice site affects mRNA splicing (PMID: 7485125). Donor and acceptor splice site variants typically lead to a loss of protein function (PMID: 16199547), and loss-of-function variants in COL4A5 are known to be pathogenic (PMID: 9195222, 10752524, 14514738, 24854265, 26809805). For these reasons, this variant has been classified as Pathogenic.

Literature cited by the submitters: PubMed 7485125 (cited by Labcorp Genetics (formerly Invitae), Labcorp); PubMed 26809805 (cited by Labcorp Genetics (formerly Invitae), Labcorp); PubMed 16199547 (cited by Labcorp Genetics (formerly Invitae), Labcorp); PubMed 9195222 (cited by Labcorp Genetics (formerly Invitae), Labcorp); PubMed 10752524 (cited by Labcorp Genetics (formerly Invitae), Labcorp); PubMed 14514738 (cited by Labcorp Genetics (formerly Invitae), Labcorp); PubMed 24854265 (cited by Labcorp Genetics (formerly Invitae), Labcorp).